The following is an entry in ClinVar:

ClinVar aggregate classification (germline): Uncertain significance (1 of 4 stars; one submission).

Conditions:
Cenani-Lenz syndactyly syndrome. Also called: CENANI SYNDACTYLISM; SYNDACTYLY, TYPE VII. Identifiers: Orphanet 3258, MedGen C1859309, MONDO:0008931, OMIM 212780.
Congenital myasthenic syndrome 17. Identifiers: Orphanet 590, MedGen C4225377, MONDO:0014578, OMIM 616304.
Sclerosteosis 2 (SOST2). Identifiers: Orphanet 3152, MedGen C3280402, MONDO:0013679, OMIM 614305.

Submission:

Labcorp Genetics (formerly Invitae), Labcorp
Classification: Uncertain significance for Cenani-Lenz syndactyly syndrome; Sclerosteosis 2; Congenital myasthenic syndrome 17. Last evaluated: 2022-11-01. Review status: criteria provided, single submitter. Criteria: Invitae Variant Classification Sherloc (09022015). Collection method: clinical testing. Allele origin: germline.
Comment: This sequence change falls in intron 37 of the LRP4 gene. It does not directly change the encoded amino acid sequence of the LRP4 protein. This variant is not present in population databases (gnomAD no frequency). This variant has not been reported in the literature in individuals affected with LRP4-related conditions. Algorithms developed to predict the effect of sequence changes on RNA splicing suggest that this variant may create or strengthen a splice site. In summary, the available evidence is currently insufficient to determine the role of this variant in disease. Therefore, it has been classified as a Variant of Uncertain Significance.

NM_002334.4(LRP4):c.5386-12T>C

Genes: LRP4-AS1 (LRP4 antisense RNA 1; plus strand), LRP4 (LDL receptor related protein 4; minus strand). Cytogenetic location: 11p11.2.
Variant type: single nucleotide variant.
Coding change: c.5386-12T>C on transcript NM_002334.4 (MANE Select); 12 bases into the intron before coding-DNA position 5386, T replaced by C.
Molecular consequence: intron variant.
Genome position (GRCh38, 1-based): chr11:46,859,327, A>G on the plus strand (T>C on the coding strand, the complement: LRP4 is on the minus strand). VCF-style: chr11-46859327-A-G. GRCh37 (hg19) VCF-style: chr11-46880878-A-G.
Identifiers: ClinVar variation 2020572 (VCV002020572.4), dbSNP rs2539689955, ClinGen allele CA2580084136.